The following is an entry in ClinVar:

NM_001690.4(ATP6V1A):c.883A>G (p.Thr295Ala)

Gene: ATP6V1A (ATPase H+ transporting V1 subunit A; plus strand). Cytogenetic location: 3q13.31.
Variant type: single nucleotide variant.
Coding change: c.883A>G on transcript NM_001690.4 (MANE Select); coding-DNA position 883, A replaced by G.
Protein change: p.Thr295Ala; replaces threonine 295 with alanine.
Molecular consequence: missense variant.
Genome position (GRCh38, 1-based): chr3:113,789,735, A>G. VCF-style: chr3-113789735-A-G. GRCh37 (hg19) VCF-style: chr3-113508582-A-G.
Other names: short protein forms T295A.
Identifiers: ClinVar variation 3776249 (VCV003776249.1).

ClinVar aggregate classification (germline): Uncertain significance (1 of 4 stars; one submission).

Conditions:
Developmental and epileptic encephalopathy 93. Also called: EPILEPTIC ENCEPHALOPATHY, INFANTILE OR EARLY CHILDHOOD, 3. Identifiers: MedGen C4693934, MONDO:0020632, OMIM 618012.

Submission:

3billion
Classification: Uncertain significance for Developmental and epileptic encephalopathy 93. Last evaluated: 2024-05-21. Review status: criteria provided, single submitter. Criteria: ACMG Guidelines, 2015. Collection method: clinical testing. Allele origin: germline. Affected: yes.
Comment: The variant is not observed in the gnomAD v4.0.0 dataset. Predicted Consequence/Location: Missense changes are a common disease-causing mechanism. In silico tool predictions suggest damaging effect of the variant on gene or gene product [REVEL: 0.61 (>=0.6, sensitivity 0.68 and specificity 0.92)]. Therefore, this variant is classified as VUS according to the recommendation of ACMG/AMP guideline.